The following is an entry in ClinVar:

ClinVar aggregate classification (germline): Uncertain significance (1 of 4 stars; one submission).

Conditions:
Cardiomyopathy (CMYO). Also called: Cardiomyopathies. Identifiers: Orphanet 167848, MedGen C0878544, MONDO:0004994, HP:0001638. Inheritance: Various modes of inheritance.

Submission:

Color Diagnostics, LLC DBA Color Health
Classification: Uncertain significance for Cardiomyopathy. Last evaluated: 2024-03-06. Review status: criteria provided, single submitter. Criteria: ACMG Guidelines, 2015. Collection method: clinical testing. Allele origin: germline.
Comment: This missense variant replaces phenylalanine with leucine at codon 4083 of the RYR2 protein. Computational prediction tool suggests that this variant may have deleterious impact on protein structure and function (internally defined REVEL score threshold >=0.7, PMID: 27666373). Splice site prediction tools suggest that this variant may not impact RNA splicing. To our knowledge, functional studies have not been performed for this variant. This variant has not been reported in individuals affected with cardiovascular disorders in the literature. This variant has not been identified in the general population by the Genome Aggregation Database (gnomAD). The available evidence is insufficient to determine the role of this variant in disease conclusively. Therefore, this variant is classified as a Variant of Uncertain Significance.

NM_001035.3(RYR2):c.12247T>C (p.Phe4083Leu)

Gene: RYR2 (ryanodine receptor 2; plus strand). Cytogenetic location: 1q43.
Variant type: single nucleotide variant.
Coding change: c.12247T>C on transcript NM_001035.3 (MANE Select); coding-DNA position 12247, T replaced by C.
Protein change: p.Phe4083Leu; replaces phenylalanine 4083 with leucine.
Molecular consequence: missense variant.
Genome position (GRCh38, 1-based): chr1:237,783,959, T>C. VCF-style: chr1-237783959-T-C. GRCh37 (hg19) VCF-style: chr1-237947259-T-C.
Other names: short protein forms F4083L.
Identifiers: ClinVar variation 919062 (VCV000919062.4), dbSNP rs1695338910, ClinGen allele CA345412764.